The following is an entry in ClinVar:

NM_001267550.2(TTN):c.89727A>G (p.Lys29909=)

Genes: TTN (titin; minus strand), TTN-AS1 (TTN antisense RNA 1; plus strand). Cytogenetic location: 2q31.2.
Variant type: single nucleotide variant.
Coding change: c.89727A>G on transcript NM_001267550.2 (MANE Select); coding-DNA position 89727, A replaced by G.
Protein change: p.Lys29909=; no amino-acid change (lysine 29909 retained).
Molecular consequence: synonymous variant.
Genome position (GRCh38, 1-based): chr2:178,553,173, T>C on the plus strand (A>G on the coding strand, the complement: TTN is on the minus strand). VCF-style: chr2-178553173-T-C. GRCh37 (hg19) VCF-style: chr2-179417900-T-C.
Other names: c.84804A>G, p.Lys28268= (NM_001256850.1); c.62532A>G, p.Lys20844= (NM_003319.4); c.82023A>G, p.Lys27341= (NM_133378.4); c.62907A>G, p.Lys20969= (NM_133432.3); c.63108A>G, p.Lys21036= (NM_133437.4).
Identifiers: ClinVar variation 467623 (VCV000467623.7), dbSNP rs1489769852, ClinGen allele CA430245860.
Genomic context (GRCh38, chr2:178,553,173, plus strand): 5'-TTTAACACTCACAGTTGAAGACTTAGGTTCACCAACTCCATTTTCTATTGTGAGAATATA[T>C]TTTCCTGTATCATTGCGAGTAACTTGAGGAATGGTGAGTAATGAGGATGAATCAGTGTTT-3'
Protein context (NP_001254479.2, residues 29899-29919): IPQVTRNDTG[Lys29909=]YILTIENGVG

ClinVar aggregate classification (germline): Likely benign. Review status: criteria provided, multiple submitters, no conflicts (2 of 4 stars). 3 submissions from 3 submitters: Likely benign (3). Last evaluated 2026-04-21.

Conditions:
Autosomal recessive limb-girdle muscular dystrophy type 2J (LGMDR10). Also called: Limb-girdle muscular dystrophy, type 2J; MUSCULAR DYSTROPHY, LIMB-GIRDLE, AUTOSOMAL RECESSIVE 10. Identifiers: Orphanet 140922, MedGen C1837342, MONDO:0012127, OMIM 608807.
Dilated cardiomyopathy 1G (CMD1G). Identifiers: Orphanet 154, MedGen C1858763, MONDO:0011400, OMIM 604145.
TTN-related disorder. Also called: TTN-related condition; TTN-related disease; TTN-related disorders.
Cardiovascular phenotype. Identifiers: MedGen CN230736.

Allele frequency attached by ClinVar (database versions not stated): gnomAD exomes below 0.00001; TOPMed 0.00001; gnomAD 0.00003.
gnomAD v4.1: 10 of 1,613,652 alleles (0.00062%); highest among the groups gnomAD compares: African/African-American, 0.008%; no homozygotes.

Submissions (3):

PreventionGenetics, part of Exact Sciences
Classification: Likely benign for TTN-related condition. Last evaluated: 2026-04-21. Review status: criteria provided, single submitter. Criteria: ACMG Guidelines, 2015. Collection method: clinical testing. Allele origin: germline.
Comment: This variant is classified as likely benign based on ACMG/AMP sequence variant interpretation guidelines (Richards et al. 2015 PMID: 25741868, with internal and published modifications).

Labcorp Genetics (formerly Invitae), Labcorp
Classification: Likely benign for Dilated cardiomyopathy 1G; Autosomal recessive limb-girdle muscular dystrophy type 2J. Last evaluated: 2025-12-09. Review status: criteria provided, single submitter. Criteria: Invitae Variant Classification Sherloc (09022015). Collection method: clinical testing. Allele origin: germline.

Ambry Genetics
Classification: Likely benign for Cardiovascular phenotype. Last evaluated: 2022-04-29. Review status: criteria provided, single submitter. Criteria: Ambry Variant Classification Scheme 2023. Collection method: clinical testing. Allele origin: germline.